The following is an entry in ClinVar:

NM_000059.4(BRCA2):c.6293C>T (p.Ser2098Phe)

Gene: BRCA2 (BRCA2 DNA repair associated; plus strand). Cytogenetic location: 13q13.1.
Variant type: single nucleotide variant.
Coding change: c.6293C>T on transcript NM_000059.4 (MANE Select); coding-DNA position 6293, C replaced by T.
Protein change: p.Ser2098Phe; replaces serine 2098 with phenylalanine.
Molecular consequence: missense variant.
Genome position (GRCh38, 1-based): chr13:32,340,648, C>T. VCF-style: chr13-32340648-C-T. GRCh37 (hg19) VCF-style: chr13-32914785-C-T.
Other names: short protein forms S2098F.
Identifiers: ClinVar variation 52048 (VCV000052048.31), dbSNP rs80358867, ClinGen allele CA023831.
Genomic context (GRCh38, chr13:32,340,648, plus strand): 5'-GAGTGTTAGAGGAATTTGATTTAATCAGAACTGAGCATAGTCTTCACTATTCACCTACGT[C>T]TAGACAAAATGTATCAAAAATACTTCCTCGTGTTGATAAGAGAAACCCAGAGCACTGTGT-3'
Protein context (NP_000050.3, residues 2088-2108): TEHSLHYSPT[Ser2098Phe]RQNVSKILPR

ClinVar aggregate classification (germline): Conflicting classifications of pathogenicity. Review status: criteria provided, conflicting classifications (1 of 4 stars). 12 submissions from 12 submitters: Uncertain significance (4); Likely benign (5). 3 of the submissions do not count toward it. Last evaluated 2025-12-22.

Conditions:
Breast and/or ovarian cancer. Identifiers: MedGen CN221562.
Hereditary breast ovarian cancer syndrome. Also called: Hereditary breast and ovarian cancer syndrome; Hereditary breast and ovarian cancer; Hereditary breast and ovarian cancer syndrome (HBOC); Breast and ovarian cancer; Hereditary breast and/or ovarian cancer syndrome; BRCA1- and BRCA2-Associated Hereditary Breast and Ovarian Cancer. Identifiers: Orphanet 145, MedGen C0677776, MeSH D061325, MONDO:0003582. Disease mechanism: loss of function.
Malignant tumor of breast. Also called: Malignant breast neoplasm; Cancer breast. Identifiers: MedGen C0006142, MONDO:0007254. Disease mechanism: loss of function.
Hereditary cancer-predisposing syndrome. Also called: Neoplastic Syndromes, Hereditary; Tumor predisposition; Hereditary neoplastic syndrome; Hereditary Cancer Syndrome. Identifiers: Orphanet 140162, MedGen C0027672, MeSH D009386, MONDO:0015356.
Breast-ovarian cancer, familial, susceptibility to, 2 (BROVCA2). Also called: BRCA2 Hereditary Breast and Ovarian Cancer. Identifiers: Orphanet 145, MedGen C2675520, MONDO:0012933, OMIM 612555. Disease mechanism: loss of function.

Allele frequency attached by ClinVar (database versions not stated): ExAC 0.00002; gnomAD exomes 0.00002; gnomAD 0.00003; TOPMed 0.00003.
gnomAD v4.1: 33 of 1,607,276 alleles (0.0021%); highest among the groups gnomAD compares: African/African-American, 0.0081%; no homozygotes.

Submissions (12):

Labcorp Genetics (formerly Invitae), Labcorp
Classification: Likely benign for Hereditary breast ovarian cancer syndrome. Last evaluated: 2025-12-22. Review status: criteria provided, single submitter. Criteria: Invitae Variant Classification Sherloc (09022015). Collection method: clinical testing. Allele origin: germline.

Molecular Diagnostics Laboratory, Catalan Institute of Oncology
Classification: Likely benign for Hereditary cancer-predisposing syndrome. Last evaluated: 2025-04-23. Review status: criteria provided, single submitter. Criteria: ClinGen BRCA1BRCA2 ACMG Specifications BRCA2 V1.0.0. Collection method: clinical testing. Allele origin: germline.
Comment: BP1_Strong c.6293C>T, located in exon 11 of the BRCA2 gene, is predicted to result in the substitution of Serine by Phenylalanine at codon 2098, p.(Ser2098Phe). This position is outside a (potentially) clinically important functional domain and, moreover, the SpliceAI algorithm predicts no significant impact on splicing (BP1_strong). This variant is found in 3/261838 alleles at a frequency of 0.0011% in the gnomAD v2.1.1 database, non-cancer dataset. This alteration was identified in a multifactorial likelihood analysis showing a Combined LR of 0.7345023, co-occurrence LR 1.024615386 and family history LR 0.716856598 (PMID: 31131967). To our knowledge, neither relevant clinical data nor well-stablished functional studies have been reported for this variant. In addition, the variant has been identified in the ClinVar* database (4x likely benign, 7x uncertain significance), LOVD (2x NA, 1x uncertain significance) and BRCA Exchange (not yet reviewed) databases. Based on the currently available information, c.6293C>T is classified as a likely benign variant according to ClinGen-BRCA2 Guidelines version 1.

Quest Diagnostics Nichols Institute San Juan Capistrano
Classification: Uncertain significance. Last evaluated: 2024-12-29. Review status: criteria provided, single submitter. Criteria: Quest Diagnostics criteria. Collection method: clinical testing. Allele origin: unknown.
Comment: The BRCA2 c.6293C>T (p.Ser2098Phe) variant has been reported in the published literature in individuals and/or families affected with breast and/or ovarian cancer (PMID: 23961350 (2012), 28477318 (2017), 33471991 (2021), see also LOVD), and Cowden/Cowden-like syndrome (PMID: 29684080 (2018)). This variant has also been identified in reportedly healthy individuals (PMID: 33471991 (2021), see also LOVD). The frequency of this variant in the general population (Genome Aggregation Database) is uninformative in the assessment of its pathogenicity. Analysis of this variant using bioinformatics tools for the prediction of the effect of amino acid changes on protein structure and function yielded predictions that this variant is benign. Based on the available information, we are unable to determine the clinical significance of this variant.

Ambry Genetics
Classification: Likely benign for Hereditary cancer-predisposing syndrome. Last evaluated: 2024-08-27. Review status: criteria provided, single submitter. Criteria: Ambry Variant Classification Scheme 2023. Collection method: clinical testing. Allele origin: germline.

University of Washington Department of Laboratory Medicine, University of Washington
Classification: Likely benign for Hereditary cancer-predisposing syndrome. Last evaluated: 2023-03-23. Review status: criteria provided, single submitter. Criteria: Dines et al. (Genet Med. 2020). Collection method: curation. Allele origin: germline.
Comment: Missense variant in a coldspot region where missense variants are very unlikely to be pathogenic (PMID:31911673).

BRCA2 exon 11 coldspot. Reclassification based on statistical prior probability.

CHEO Genetics Diagnostic Laboratory, Children's Hospital of Eastern Ontario
Classification: Uncertain significance for Breast and/or ovarian cancer. Last evaluated: 2021-06-09. Review status: criteria provided, single submitter. Criteria: ACMG Guidelines, 2015. Collection method: clinical testing. Allele origin: germline.

GeneDx
Classification: Uncertain significance. Last evaluated: 2018-10-31. Review status: criteria provided, single submitter. Criteria: GeneDx Variant Classification (06012015). Collection method: clinical testing. Allele origin: germline. Affected: yes.
Comment: This variant is denoted BRCA2 c.6293C>T at the cDNA level, p.Ser2098Phe (S2098F) at the protein level, and results in the change of a Serine to a Phenylalanine (TCT>TTT). Using alternate nomenclature, this variant would be defined as BRCA2 6521C>T or 6749C>T. This variant has been observed in at least two individuals with a personal and/or family history of breast and/or ovarian cancer (Solano 2012, Gabald? Barrios 2017). BRCA2 Ser2098Phe was not observed at a significant allele frequency in large population cohorts (Lek 2016). BRCA2 Ser2098Phe is not located in a known functional domain. In silico analysis, which includes protein predictors and evolutionary conservation, supports that this variant does not alter protein structure/function. Based on currently available evidence, it is unclear whether BRCA2 Ser2098Phe is pathogenic or benign. We consider it to be a variant of uncertain significance.

Institute for Biomarker Research, Medical Diagnostic Laboratories, L.L.C.
Classification: Uncertain significance for Hereditary cancer-predisposing syndrome. Last evaluated: 2017-07-12. Review status: criteria provided, single submitter. Criteria: ACMG Guidelines, 2015. Collection method: clinical testing. Allele origin: germline.

Color Diagnostics, LLC DBA Color Health
Classification: Likely benign for Hereditary cancer-predisposing syndrome. Last evaluated: 2017-03-06. Review status: criteria provided, single submitter. Criteria: ACMG Guidelines, 2015. Collection method: clinical testing. Allele origin: germline.

Counsyl
Classification: Uncertain significance for Breast-ovarian cancer, familial, susceptibility to, 2. Last evaluated: 2017-06-13. Review status: no assertion criteria provided. Collection method: clinical testing. Allele origin: unknown. Not counted in ClinVar's aggregate classification.

Breast Cancer Information Core (BIC) (BRCA2)
Classification: Uncertain significance for Breast-ovarian cancer, familial 2. Last evaluated: 2006-07-20. Review status: no assertion criteria provided. Collection method: clinical testing. Allele origin: unknown. Affected: yes. Observed: 2 variant alleles. Not counted in ClinVar's aggregate classification.

Department of Pathology and Laboratory Medicine, Sinai Health System
Classification: Uncertain significance for Malignant tumor of breast. Review status: no assertion criteria provided. Collection method: clinical testing. Allele origin: unknown. Affected: yes. Observed: 2 variant alleles. Study: The Canadian Open Genetics Repository (COGR). Not counted in ClinVar's aggregate classification.
Comment: The BRCA2 p.Ser2098Phe variant was identified in 2 of 1362 proband chromosomes (frequency: 0.001) from individuals or families with breast and ovarian cancers of Argentinian and Spanish ethnicity (Galbaldo 2017, Solano_2012,). The variant was also identified in dbSNP (ID: rs80358867) as â€šÃ„Ã¹ with uncertain significance alleleâ€šÃ„Ã¹; in ClinVar and Clinvitae databases with uncertain significance by Ambry Genetics, GeneDx, Quest Diagnostics Nichols Institute San Juan Capitstrano, Institute for Biomarker Research, Medical Diagnostic Laboratories, Invitae and Breast Cancer Information Core. The variant was further identified in the LOVD 3.0 database 1X (frequency: 0.0003), and in the BIC database 2X with unknown classification. The variant was not identified in COGR, Cosmic, MutDB, UMD-LSDB, ARUP Laboratories, Zhejiang Colon Cancer Database, databases. The variant was identified in control databases in 4 of 240210 chromosomes at a frequency of 0.00002 (Genome Aggregation Database Feb 27, 2017). It was observed in the following populations: African in 2 of 15138 chromosomes (freq: 0.0001), European Non-Finnish in 2 of 109762 chromosomes (freq: 0.00002); it was not observed in the Other, Latino, Ashkenazi Jewish, East Asian, European Finnish, and South Asian populations. The p.Ser2098 residue is not conserved in mammals and four out of five computational analyses (PolyPhen-2, SIFT, AlignGVGD, BLOSUM, MutationTaster) do not suggest a high likelihood of impact to the protein; however, this information is not predictive enough to rule out pathogenicity. The variant occurs outside of the splicing consensus sequence and in silico or computational prediction software programs (SpliceSiteFinder, MaxEntScan, NNSPLICE, GeneSplicer, HumanSpliceFinder) do not predict a difference in splicing. In summary, based on the above information the clinical significance of this variant cannot be determined with certainty at this time. This variant is classified as a variant of uncertain significance.

Literature cited by the submitters: PubMed 23961350 (cited by Quest Diagnostics Nichols Institute San Juan Capistrano and Counsyl); PubMed 29684080 (cited by Quest Diagnostics Nichols Institute San Juan Capistrano and Ambry Genetics); PubMed 28477318 (cited by 3 submitters); PubMed 33471991 (cited by Quest Diagnostics Nichols Institute San Juan Capistrano); PubMed 32885271 (cited by Ambry Genetics).